The following is an entry in ClinVar:

NM_030912.3(TRIM8):c.1089C>G (p.Pro363=)

Gene: TRIM8 (tripartite motif containing 8; plus strand). Cytogenetic location: 10q24.32.
Variant type: single nucleotide variant.
Coding change: c.1089C>G on transcript NM_030912.3 (MANE Select); coding-DNA position 1089, C replaced by G.
Protein change: p.Pro363=; no amino-acid change (proline 363 retained).
Molecular consequence: synonymous variant. On other transcripts: non-coding transcript variant (1).
Genome position (GRCh38, 1-based): chr10:102,656,787, C>G. VCF-style: chr10-102656787-C-G. GRCh37 (hg19) VCF-style: chr10-104416544-C-G.
Other names: c.993C>G, p.Pro331= (NM_001345950.1).
Identifiers: ClinVar variation 2824142 (VCV002824142.3), dbSNP rs2064028746, ClinGen allele CA471303923.
Genomic context (GRCh38, chr10:102,656,787, plus strand): 5'-TTTGCCCCAACTCTCCACAGGCCCCTTCAGCACGCCGGTGCCCTTCCTGCAGAGTGTCCC[C>G]CTGTACCCTTGCGGCGTGAGCAGCTCTGGGGCGGAAAAGCGCAAGCACTCAACGGCCTTC-3'
Protein context (NP_112174.2, residues 353-373): STPVPFLQSV[Pro363=]LYPCGVSSSG

ClinVar aggregate classification (germline): Uncertain significance (1 of 4 stars; one submission).

Submission:

Labcorp Genetics (formerly Invitae), Labcorp
Classification: Uncertain significance. Last evaluated: 2023-06-23. Review status: criteria provided, single submitter. Criteria: Invitae Variant Classification Sherloc (09022015). Collection method: clinical testing. Allele origin: germline.
Comment: In summary, the available evidence is currently insufficient to determine the role of this variant in disease. Therefore, it has been classified as a Variant of Uncertain Significance. Algorithms developed to predict the effect of sequence changes on RNA splicing suggest that this variant may create or strengthen a splice site. This variant has not been reported in the literature in individuals affected with TRIM8-related conditions. This variant is not present in population databases (gnomAD no frequency). This sequence change affects codon 363 of the TRIM8 mRNA. It is a 'silent' change, meaning that it does not change the encoded amino acid sequence of the TRIM8 protein.